The following is an entry in ClinVar:

NM_001253697.2(ERBIN):c.2564A>T (p.Asp855Val)

Gene: ERBIN (erbb2 interacting protein; plus strand). Cytogenetic location: 5q12.3.
Variant type: single nucleotide variant.
Coding change: c.2564A>T on transcript NM_001253697.2 (MANE Select); coding-DNA position 2564, A replaced by T.
Protein change: p.Asp855Val; replaces aspartic acid 855 with valine.
Molecular consequence: missense variant.
Genome position (GRCh38, 1-based): chr5:66,053,882, A>T. VCF-style: chr5-66053882-A-T. GRCh37 (hg19) VCF-style: chr5-65349710-A-T.
Other names: c.2564A>T (NM_001006600.2); c.2564A>T, p.Asp855Val (NM_001006600.3, NM_001253698.2, NM_001253699.2 and 1 more transcripts); c.2552A>T, p.Asp851Val (NM_001253701.2); short protein forms D855V, D851V.
Identifiers: ClinVar variation 2868480 (VCV002868480.4), dbSNP rs1759307889, ClinGen allele CA359867146.

ClinVar aggregate classification (germline): Uncertain significance. Review status: criteria provided, multiple submitters, no conflicts (2 of 4 stars). 2 submissions from 2 submitters: Uncertain significance (2). Last evaluated 2025-01-23.

Conditions:
ERBIN-related disorder. Also called: ERBIN-related condition.

Allele frequency attached by ClinVar (database versions not stated): gnomAD 0.00001.
gnomAD v4.1: 11 of 1,614,030 alleles (0.00068%); highest among the groups gnomAD compares: Non-Finnish European, 0.00093%; no homozygotes.

Submissions (2):

PreventionGenetics, part of Exact Sciences
Classification: Uncertain significance for ERBIN-related condition. Last evaluated: 2025-01-23. Review status: criteria provided, single submitter. Criteria: ACMG Guidelines, 2015. Collection method: clinical testing. Allele origin: germline.
Comment: The ERBIN c.2564A>T variant is predicted to result in the amino acid substitution p.Asp855Val. To our knowledge, this variant has not been reported in the literature or in a large population database (gnomAD), indicating this variant is rare. At this time, the clinical significance of this variant is uncertain due to the absence of conclusive functional and genetic evidence.

Labcorp Genetics (formerly Invitae), Labcorp
Classification: Uncertain significance. Last evaluated: 2023-06-04. Review status: criteria provided, single submitter. Criteria: Invitae Variant Classification Sherloc (09022015). Collection method: clinical testing. Allele origin: germline.
Comment: This sequence change replaces aspartic acid, which is acidic and polar, with valine, which is neutral and non-polar, at codon 855 of the ERBIN protein (p.Asp855Val). This variant is not present in population databases (gnomAD no frequency). In summary, the available evidence is currently insufficient to determine the role of this variant in disease. Therefore, it has been classified as a Variant of Uncertain Significance. An algorithm developed to predict the effect of missense changes on protein structure and function (PolyPhen-2) suggests that this variant is likely to be disruptive. This variant has not been reported in the literature in individuals affected with ERBIN-related conditions.